The following is an entry in ClinVar:

NM_001098.3(ACO2):c.469G>A (p.Ala157Thr)

Gene: ACO2 (aconitase 2; plus strand). Cytogenetic location: 22q13.2.
Variant type: single nucleotide variant.
Coding change: c.469G>A on transcript NM_001098.3 (MANE Select); coding-DNA position 469, G replaced by A.
Protein change: p.Ala157Thr; replaces alanine 157 with threonine.
Molecular consequence: missense variant.
Genome position (GRCh38, 1-based): chr22:41,511,912, G>A. VCF-style: chr22-41511912-G-A. GRCh37 (hg19) VCF-style: chr22-41907916-G-A.
Other names: short protein forms A157T.
Identifiers: ClinVar variation 2014229 (VCV002014229.4), dbSNP rs2518219786, ClinGen allele CA411715820.
Genomic context (GRCh38, chr22:41,511,912, plus strand): 5'-CCAATTATTGATTTGTCTCAATAGGACATCAACCAGGAAGTTTATAATTTCCTGGCAACT[G>A]CAGGTGCCAAATATGGCGTGGGCTTCTGGAAGCCTGGATCTGGAATCATTCACCAGGTAA-3'
Protein context (NP_001089.1, residues 147-167): NQEVYNFLAT[Ala157Thr]GAKYGVGFWK

ClinVar aggregate classification (germline): Uncertain significance (1 of 4 stars; one submission).

Submission:

Labcorp Genetics (formerly Invitae), Labcorp
Classification: Uncertain significance. Last evaluated: 2022-07-05. Review status: criteria provided, single submitter. Criteria: Invitae Variant Classification Sherloc (09022015). Collection method: clinical testing. Allele origin: germline.
Comment: In summary, the available evidence is currently insufficient to determine the role of this variant in disease. Therefore, it has been classified as a Variant of Uncertain Significance. Advanced modeling of protein sequence and biophysical properties (such as structural, functional, and spatial information, amino acid conservation, physicochemical variation, residue mobility, and thermodynamic stability) performed at Invitae indicates that this missense variant is expected to disrupt ACO2 protein function. This variant has not been reported in the literature in individuals affected with ACO2-related conditions. This variant is not present in population databases (gnomAD no frequency). This sequence change replaces alanine, which is neutral and non-polar, with threonine, which is neutral and polar, at codon 157 of the ACO2 protein (p.Ala157Thr).